The following is an entry in ClinVar:

NM_177438.3(DICER1):c.3889dup (p.Ile1297fs)

Gene: DICER1 (dicer 1, ribonuclease III; minus strand). Cytogenetic location: 14q32.13.
Variant type: Duplication.
Coding change: c.3889dup on transcript NM_177438.3 (MANE Select); coding-DNA position 3889, one base duplicated (A; older notation c.3889dupA).
Protein change: p.Ile1297fs; shifts the reading frame from isoleucine 1297.
Molecular consequence: frameshift variant. On other transcripts: non-coding transcript variant (6).
Genome position (GRCh38, 1-based): chr14:95,103,507, T duplicated on the plus strand (A on the coding strand, the reverse complement: DICER1 is on the minus strand). VCF-style (leftmost placement, unchanged base first): chr14-95103506-A-AT. GRCh37 (hg19) VCF-style: chr14-95569843-A-AT.
Other names: c.3889dup, p.Ile1297fs (NM_001395683.1, NM_001395684.1, NM_001395692.1 and 12 more transcripts); c.3607dup, p.Ile1203fs (NM_001395686.1); c.3484dup, p.Ile1162fs (NM_001395687.1, NM_001395688.1, NM_001395689.1 and 2 more transcripts); c.3322dup, p.Ile1108fs (NM_001395691.1); c.2206dup, p.Ile736fs (NM_001395697.1); c.3889dupA (NM_177438.2); short protein forms I1162fs, I1203fs, I1108fs, I1297fs, I736fs.
Identifiers: ClinVar variation 4636761 (VCV004636761.1).
Genomic context (GRCh38, chr14:95,103,506, plus strand): 5'-ATTTCAAGCCGCTCCAGGTTAAATCCATCACTAGCGTTTGACAGAGTCAAAGCCTGAAGA[A>AT]TAAGTCCAGGATTGGGGCCAAGAGTCCTTGAGGAGTACCCAATAGAAGGGCTCTGCTCAG-3'

ClinVar aggregate classification (germline): Pathogenic (1 of 4 stars; one submission).

Conditions:
Hereditary cancer-predisposing syndrome. Also called: Neoplastic Syndromes, Hereditary; Tumor predisposition; Hereditary Cancer Syndrome; Hereditary neoplastic syndrome. Identifiers: Orphanet 140162, MedGen C0027672, MeSH D009386, MONDO:0015356.

Submission:

Ambry Genetics
Classification: Pathogenic for Hereditary cancer-predisposing syndrome. Last evaluated: 2025-09-16. Review status: criteria provided, single submitter. Criteria: Ambry Variant Classification Scheme 2023. Collection method: clinical testing. Allele origin: germline.
Comment: The c.3889dupA pathogenic mutation, located in coding exon 20 of the DICER1 gene, results from a duplication of A at nucleotide position 3889, causing a translational frameshift with a predicted alternate stop codon (p.I1297Nfs*11). At least one individual with this variant was found to have a somatic second hit in a recognized DICER1 hotspot codon on tumor sequencing (Ambry internal data). This variant is considered to be rare based on population cohorts in the Genome Aggregation Database (gnomAD). This alteration is expected to result in loss of function by premature protein truncation or nonsense-mediated mRNA decay. As such, this alteration is interpreted as a disease-causing mutation.